The following is an entry in ClinVar:

ClinVar aggregate classification (germline): Uncertain significance. Review status: criteria provided, multiple submitters, no conflicts (2 of 4 stars). 2 submissions from 2 submitters: Uncertain significance (2). Last evaluated 2024-06-06.

Conditions:
Hyperkalemic periodic paralysis. Also called: Gamstorp disease; Familial hyperkalemic periodic paralysis. Identifiers: Orphanet 682, MedGen C0238357, MONDO:0008224, OMIM 170500, HP:0007215.

Allele frequency attached by ClinVar (database versions not stated): gnomAD exomes below 0.00001.

Submissions (2):

Blueprint Genetics
Classification: Uncertain significance. Last evaluated: 2024-06-06. Review status: criteria provided, single submitter. Criteria: ACMG Guidelines, 2015. Collection method: clinical testing. Allele origin: germline.

Labcorp Genetics (formerly Invitae), Labcorp
Classification: Uncertain significance for Hyperkalemic periodic paralysis. Last evaluated: 2022-07-26. Review status: criteria provided, single submitter. Criteria: Invitae Variant Classification Sherloc (09022015). Collection method: clinical testing. Allele origin: germline.
Comment: In summary, the available evidence is currently insufficient to determine the role of this variant in disease. Therefore, it has been classified as a Variant of Uncertain Significance. Algorithms developed to predict the effect of missense changes on protein structure and function (SIFT, PolyPhen-2, Align-GVGD) all suggest that this variant is likely to be tolerated. ClinVar contains an entry for this variant (Variation ID: 641825). This variant has not been reported in the literature in individuals affected with SCN4A-related conditions. This variant is not present in population databases (gnomAD no frequency). This sequence change replaces histidine, which is basic and polar, with arginine, which is basic and polar, at codon 892 of the SCN4A protein (p.His892Arg).

NM_000334.4(SCN4A):c.2675A>G (p.His892Arg)

Genes: GH-LCR (growth hormone locus control region; plus strand), SCN4A (sodium voltage-gated channel alpha subunit 4; minus strand). Cytogenetic location: 17q23.3.
Variant type: single nucleotide variant.
Coding change: c.2675A>G on transcript NM_000334.4 (MANE Select); coding-DNA position 2675, A replaced by G.
Protein change: p.His892Arg; replaces histidine 892 with arginine.
Molecular consequence: missense variant.
Genome position (GRCh38, 1-based): chr17:63,951,602, T>C on the plus strand (A>G on the coding strand, the complement: SCN4A is on the minus strand). VCF-style: chr17-63951602-T-C. GRCh37 (hg19) VCF-style: chr17-62028962-T-C.
Other names: short protein forms H892R.
Identifiers: ClinVar variation 641825 (VCV000641825.10), dbSNP rs1597973637, ClinGen allele CA400625821.